The following is an entry in ClinVar:

ClinVar aggregate classification (germline): Likely benign (1 of 4 stars; one submission).

Allele frequency attached by ClinVar (database versions not stated): 1000 Genomes Project 0.00020; 1000 Genomes Project 30x 0.00031; gnomAD 0.00040; TOPMed 0.00046.

Submission:

CeGaT Center for Human Genetics Tuebingen
Classification: Likely benign. Last evaluated: 2023-01-01. Review status: criteria provided, single submitter. Criteria: CeGaT Center For Human Genetics Tuebingen Variant Classification Criteria Version 2. Collection method: clinical testing. Allele origin: germline. Affected: yes. Observed: 4 variant alleles.
Comment: HRAS: BS1

NC_000011.10:g.529719C>G

Genes: HRAS (HRas proto-oncogene, GTPase; minus strand), LRRC56 (leucine rich repeat containing 56; plus strand). Cytogenetic location: 11p15.5.
Variant type: single nucleotide variant.
Genome position: GRCh38 VCF-style: chr11-529719-C-G. GRCh37 (hg19) VCF-style: chr11-529719-C-G.
Identifiers: ClinVar variation 2641057 (VCV002641057.24), dbSNP rs181336778, ClinGen allele CA216941000.